The following is an entry in ClinVar:

ClinVar aggregate classification (germline): Uncertain significance (1 of 4 stars; one submission).

Conditions:
Neuropathy, hereditary sensory, type 2C. Also called: Hereditary sensory and autonomic neuropathy type IIC; KIF1A-Related HSAN2 (HSAN2C). Identifiers: Orphanet 970, MedGen C3280168, MONDO:0013634, OMIM 614213.
Hereditary spastic paraplegia 30. Identifiers: Orphanet 101010, MedGen C5235139, MONDO:0012476.
Intellectual disability, autosomal dominant 9 (NESCAVS). Also called: NESCAV SYNDROME; KIF1A-Related Neurodevelopmental Disorder. Identifiers: Orphanet 662367, MedGen C5393830, MONDO:0013656, OMIM 614255.

Allele frequency attached by ClinVar (database versions not stated): gnomAD exomes below 0.00001.
gnomAD v4.1: 2 of 1,612,078 alleles (0.00012%); highest among the groups gnomAD compares: Admixed American, 0.0017%; no homozygotes.

Submission:

Labcorp Genetics (formerly Invitae), Labcorp
Classification: Uncertain significance for Hereditary spastic paraplegia 30; Neuropathy, hereditary sensory, type 2C; Intellectual disability, autosomal dominant 9. Last evaluated: 2023-12-31. Review status: criteria provided, single submitter. Criteria: Invitae Variant Classification Sherloc (09022015). Collection method: clinical testing. Allele origin: germline.
Comment: This sequence change falls in intron 14 of the KIF1A gene. It does not directly change the encoded amino acid sequence of the KIF1A protein. It affects a nucleotide within the consensus splice site. This variant is present in population databases (no rsID available, gnomAD 0.003%). This variant has not been reported in the literature in individuals affected with KIF1A-related conditions. Variants that disrupt the consensus splice site are a relatively common cause of aberrant splicing (PMID: 17576681, 9536098). Algorithms developed to predict the effect of sequence changes on RNA splicing suggest that this variant is not likely to affect RNA splicing. In summary, the available evidence is currently insufficient to determine the role of this variant in disease. Therefore, it has been classified as a Variant of Uncertain Significance.

Literature cited by the submitters: PubMed 17576681; PubMed 9536098.

NM_001244008.2(KIF1A):c.1421+6C>T

Gene: KIF1A (kinesin family member 1A; minus strand). Cytogenetic location: 2q37.3.
Variant type: single nucleotide variant.
Coding change: c.1421+6C>T on transcript NM_001244008.2 (MANE Select); 6 bases into the intron after coding-DNA position 1421, C replaced by T.
Molecular consequence: intron variant.
Genome position (GRCh38, 1-based): chr2:240,769,621, G>A on the plus strand (C>T on the coding strand, the complement: KIF1A is on the minus strand). VCF-style: chr2-240769621-G-A. GRCh37 (hg19) VCF-style: chr2-241709038-G-A.
Other names: c.1394+6C>T (NM_001379653.1, NM_001379650.1, NM_001379645.1 and 10 more transcripts); c.1496+6C>T (NM_001379635.1, NM_001330290.2, NM_001379646.1 and 2 more transcripts); c.1469+6C>T (NM_001379637.1, NM_001379648.1); c.1421+6C>T (NM_001320705.2, NM_001379638.1, NM_001330289.2).
Identifiers: ClinVar variation 2921855 (VCV002921855.3), dbSNP rs1431990627, ClinGen allele CA540553305.